The following is an entry in ClinVar:

NM_018292.5(QRSL1):c.694A>G (p.Ile232Val)

Gene: QRSL1 (glutaminyl-tRNA amidotransferase subunit QRSL1; plus strand). Cytogenetic location: 6q21.
Variant type: single nucleotide variant.
Coding change: c.694A>G on transcript NM_018292.5 (MANE Select); coding-DNA position 694, A replaced by G.
Protein change: p.Ile232Val; replaces isoleucine 232 with valine.
Molecular consequence: missense variant.
Genome position (GRCh38, 1-based): chr6:106,652,345, A>G. VCF-style: chr6-106652345-A-G. GRCh37 (hg19) VCF-style: chr6-107100220-A-G.
Other names: c.694A>G (NM_018292.4); short protein forms I232V.
Identifiers: ClinVar variation 2044670 (VCV002044670.7), dbSNP rs144191952, ClinGen allele CA3944829.
Genomic context (GRCh38, chr6:106,652,345, plus strand): 5'-TATGGCTTAGTTTCCCGTCATGGTCTCATTCCCCTGGTGAATTCGATGGATGTGCCAGGA[A>G]TCTTAACCAGATGTGTGGATGATGCAGCAATTGTGTTGGGTATTTATATAATTCTATATC-3'
Protein context (NP_060762.3, residues 222-242): PLVNSMDVPG[Ile232Val]LTRCVDDAAI

ClinVar aggregate classification (germline): Benign/Likely benign. Review status: criteria provided, multiple submitters, no conflicts (2 of 4 stars). 3 submissions from 3 submitters: Benign (1); Likely benign (1). 1 of the submissions does not count toward it. Last evaluated 2025-10-02.

Conditions:
QRSL1-related disorder. Also called: QRSL1-related condition.

Allele frequency attached by ClinVar (database versions not stated): ESP Exome Variant Server 0.00023; TOPMed 0.00032; gnomAD 0.00042; gnomAD exomes 0.00064; ExAC 0.00121; 1000 Genomes Project 0.00140; 1000 Genomes Project 30x 0.00172.
gnomAD v4.1: 1,000 of 1,614,196 alleles (0.062%); highest among the groups gnomAD compares: South Asian, 0.66%; 8 homozygotes.

Submissions (3):

Labcorp Genetics (formerly Invitae), Labcorp
Classification: Benign. Last evaluated: 2025-10-02. Review status: criteria provided, single submitter. Criteria: Invitae Variant Classification Sherloc (09022015). Collection method: clinical testing. Allele origin: germline.

Blueprint Genetics
Classification: Likely benign. Last evaluated: 2024-11-26. Review status: criteria provided, single submitter. Criteria: ACMG Guidelines, 2015. Collection method: clinical testing. Allele origin: germline.

PreventionGenetics, part of Exact Sciences
Classification: Likely benign for QRSL1-related condition. Last evaluated: 2019-07-19. Review status: no assertion criteria provided. Collection method: clinical testing. Allele origin: germline. Not counted in ClinVar's aggregate classification.
Comment: This variant is classified as likely benign based on ACMG/AMP sequence variant interpretation guidelines (Richards et al. 2015 PMID: 25741868, with internal and published modifications).